The following is an entry in ClinVar:

ClinVar aggregate classification (germline): Uncertain significance. Review status: criteria provided, multiple submitters, no conflicts (2 of 4 stars). 2 submissions from 2 submitters: Uncertain significance (2). Last evaluated 2024-11-27.

Conditions:
Desmin-related myofibrillar myopathy (MFM1). Also called: Desminopathy; Desmin related myopathy (former name); Desmin storage myopathy (former name); Myofibrillar myopathy 1; MYOFIBRILLAR MYOPATHY WITH ARRHYTHMOGENIC RIGHT VENTRICULAR CARDIOMYOPATHY; DESMIN-RELATED MYOPATHY WITH ARRHYTHMOGENIC RIGHT VENTRICULAR CARDIOMYOPATHY. Identifiers: Orphanet 363543, Orphanet 98909, MedGen C1832370, MONDO:0011076, OMIM 601419.

Submissions (2):

Labcorp Genetics (formerly Invitae), Labcorp
Classification: Uncertain significance for Desmin-related myofibrillar myopathy. Last evaluated: 2024-11-27. Review status: criteria provided, single submitter. Criteria: Invitae Variant Classification Sherloc (09022015). Collection method: clinical testing. Allele origin: germline.
Comment: This sequence change falls in intron 5 of the DES gene. It does not directly change the encoded amino acid sequence of the DES protein. It affects a nucleotide within the consensus splice site. This variant is not present in population databases (gnomAD no frequency). This variant has not been reported in the literature in individuals affected with DES-related conditions. ClinVar contains an entry for this variant (Variation ID: 2046736). Variants that disrupt the consensus splice site are a relatively common cause of aberrant splicing (PMID: 17576681, 9536098). In summary, the available evidence is currently insufficient to determine the role of this variant in disease. Therefore, it has been classified as a Variant of Uncertain Significance.

GeneDx
Classification: Uncertain significance. Last evaluated: 2022-08-18. Review status: criteria provided, single submitter. Criteria: GeneDx Variant Classification Process June 2021. Collection method: clinical testing. Allele origin: germline. Affected: yes.
Comment: Not observed at significant frequency in large population cohorts (gnomAD); In silico analysis supports that this variant does not alter splicing; Has not been previously published as pathogenic or benign to our knowledge

Literature cited by the submitters: PubMed 17576681 (cited by Labcorp Genetics (formerly Invitae), Labcorp); PubMed 9536098 (cited by Labcorp Genetics (formerly Invitae), Labcorp).

NM_001927.4(DES):c.1023+6_1023+24dup

Gene: DES (desmin; plus strand). Cytogenetic location: 2q35.
Variant type: Duplication.
Coding change: c.1023+6_1023+24dup on transcript NM_001927.4 (MANE Select); bases 6 to 24 of the intron after coding-DNA position 1023, 19 bases duplicated (TCCCTGCCCACCTGGCCAG).
Molecular consequence: intron variant.
Genome position (GRCh38, 1-based): chr2:219,420,959-219,420,977, TCCCTGCCCACCTGGCCAG duplicated; duplicating any 19 consecutive bases within chr2:219,420,957-219,420,977 gives the same sequence; the c. name uses the placement nearest the transcript's 3' end. VCF-style (leftmost placement, unchanged base first): chr2-219420956-G-GAGTCCCTGCCCACCTGGCC. GRCh37 (hg19) VCF-style: chr2-220285678-G-GAGTCCCTGCCCACCTGGCC.
Other names: c.1023+6_1023+24dup (NM_001382712.1, NM_001382711.1, NM_001382710.1); c.736-525_736-507dup (NM_001382709.1); c.1020+6_1020+24dup (NM_001382708.1); c.753+6_753+24dup (NM_001382713.1).
Identifiers: ClinVar variation 2046736 (VCV002046736.5), dbSNP rs765993677, ClinGen allele CA2125206.